The following is an entry in ClinVar:

ClinVar aggregate classification (germline): Likely benign (1 of 4 stars; one submission).

Submission:

CeGaT Center for Human Genetics Tuebingen
Classification: Likely benign. Last evaluated: 2022-11-01. Review status: criteria provided, single submitter. Criteria: CeGaT Center For Human Genetics Tuebingen Variant Classification Criteria Version 2. Collection method: clinical testing. Allele origin: germline. Affected: yes. Observed: 1 variant allele.
Comment: CEP350: PM2:Supporting, BP4, BP7

NM_014810.5(CEP350):c.6484C>T (p.Leu2162=)

Gene: CEP350 (centrosomal protein 350; plus strand). Cytogenetic location: 1q25.2.
Variant type: single nucleotide variant.
Coding change: c.6484C>T on transcript NM_014810.5 (MANE Select); coding-DNA position 6484, C replaced by T.
Protein change: p.Leu2162=; no amino-acid change (leucine 2162 retained).
Molecular consequence: synonymous variant.
Genome position (GRCh38, 1-based): chr1:180,090,772, C>T. VCF-style: chr1-180090772-C-T. GRCh37 (hg19) VCF-style: chr1-180059907-C-T.
Identifiers: ClinVar variation 2639597 (VCV002639597.24), dbSNP rs1660148239, ClinGen allele CA422055887.
Genomic context (GRCh38, chr1:180,090,772, plus strand): 5'-AGATCTGAAACGGCAAAGAATTGGAAATCACTAACAGAGTCAGAACGTTCCAGAGGATCC[C>T]TGGAGTCTATTGCTGAACATGTTGGTATGTAACTAGAAAAAATAATTAACTTGTAGCTAC-3'
Protein context (NP_055625.4, residues 2152-2172): LTESERSRGS[Leu2162=]ESIAEHVDAS